The following is an entry in ClinVar:

NC_000005.9:g.(?_112090570)_(112157688_?)dup

Gene: APC (APC regulator of Wnt signaling pathway; plus strand). Cytogenetic location: 5q22.2.
Variant type: Duplication.
Identifiers: ClinVar variation 417556 (VCV000417556.1).

ClinVar aggregate classification (germline): Likely pathogenic (1 of 4 stars; one submission).

Conditions:
Familial adenomatous polyposis 1 (FAP1). Also called: FAMILIAL ADENOMATOUS POLYPOSIS 1, ATTENUATED; POLYPOSIS, ADENOMATOUS INTESTINAL. Identifiers: MedGen C2713442, MONDO:0021056, OMIM 175100. Disease mechanism: loss of function.

Submission:

Labcorp Genetics (formerly Invitae), Labcorp
Classification: Likely pathogenic for Familial adenomatous polyposis 1. Last evaluated: 2016-12-16. Review status: criteria provided, single submitter. Criteria: Invitae Variant Classification Sherloc (09022015). Collection method: clinical testing. Allele origin: germline.
Comment: This variant is a gross duplication of the genomic region encompassing exons 2-11 of the APC gene. The 5' end of this event is likely confined to intron 1 of the APC gene. The 3' boundary is likely confined to intron 11 of the APC gene. While the exact position of the duplicated exons cannot be determined from this data, the duplicated copy of this region is likely in tandem and may result in an absent or disrupted protein product. While this particular duplication has not been reported in the literature, loss-of-function variants including gross alterations in APC are known to be pathogenic (PMID: 23159591). In summary, sub-genic duplications are generally in tandem (PMID: 25640679), and result in an absent or disrupted protein. However, the exact location of this duplication has not been confirmed. Therefore, it has been classified as Likely Pathogenic.